The following is an entry in ClinVar:

NM_000719.7(CACNA1C):c.6203A>C (p.Asp2068Ala)

Genes: CACNA1C (calcium voltage-gated channel subunit alpha1 C; plus strand), CACNA1C-AS1 (CACNA1C antisense RNA 1; minus strand). Cytogenetic location: 12p13.33.
Variant type: single nucleotide variant.
Coding change: c.6203A>C on transcript NM_000719.7 (MANE Select); coding-DNA position 6203, A replaced by C.
Protein change: p.Asp2068Ala; replaces aspartic acid 2068 with alanine.
Molecular consequence: missense variant.
Genome position (GRCh38, 1-based): chr12:2,690,985, A>C. VCF-style: chr12-2690985-A-C. GRCh37 (hg19) VCF-style: chr12-2800151-A-C.
Other names: c.6347A>C, p.Asp2116Ala (NM_001129827.2); c.6326A>C, p.Asp2109Ala (NM_001129829.2); c.6308A>C, p.Asp2103Ala (NM_001129830.3, NM_001167624.3); c.6287A>C, p.Asp2096Ala (NM_001129831.2); c.6263A>C, p.Asp2088Ala (NM_001129832.2); c.6260A>C, p.Asp2087Ala (NM_001129833.2, NM_001129834.2, NM_001129835.2); c.6254A>C, p.Asp2085Ala (NM_001129836.2); c.6227A>C, p.Asp2076Ala (NM_001129837.2, NM_001129838.2); and 6 more; short protein forms D2068A, D2076A, D2085A, D2116A, D2151A, D2065A, D2087A, D2103A.
Identifiers: ClinVar variation 4613763 (VCV004613763.2).

ClinVar aggregate classification (germline): Uncertain significance. Review status: criteria provided, multiple submitters, no conflicts (2 of 4 stars). 2 submissions from 2 submitters: Uncertain significance (2). Last evaluated 2026-01-13.

Conditions:
Long QT syndrome (LQTS). Identifiers: MedGen C0023976, MeSH D008133, MONDO:0002442. Disease mechanism: loss of function. Inheritance: Various modes of inheritance.
Cardiovascular phenotype. Identifiers: MedGen CN230736.

gnomAD v4.1: 1 of 1,600,426 alleles (0.000062%); highest among the groups gnomAD compares: Middle Eastern, 0.017%; no homozygotes.

Submissions (2):

Labcorp Genetics (formerly Invitae), Labcorp
Classification: Uncertain significance for Long QT syndrome. Last evaluated: 2026-01-13. Review status: criteria provided, single submitter. Criteria: Invitae Variant Classification Sherloc (09022015). Collection method: clinical testing. Allele origin: germline.
Comment: This sequence change replaces aspartic acid, which is acidic and polar, with alanine, which is neutral and non-polar, at codon 2068 of the CACNA1C protein (p.Asp2068Ala). This variant is present in population databases (rs748298320, gnomAD 0.001%). This variant has not been reported in the literature in individuals affected with CACNA1C-related conditions. Invitae Evidence Modeling of protein sequence and biophysical properties (such as structural, functional, and spatial information, amino acid conservation, physicochemical variation, residue mobility, and thermodynamic stability) indicates that this missense variant is not expected to disrupt CACNA1C protein function with a negative predictive value of 95%. In summary, the available evidence is currently insufficient to determine the role of this variant in disease. Therefore, it has been classified as a Variant of Uncertain Significance.

Ambry Genetics
Classification: Uncertain significance for Cardiovascular phenotype. Last evaluated: 2025-10-10. Review status: criteria provided, single submitter. Criteria: Ambry Variant Classification Scheme 2023. Collection method: clinical testing. Allele origin: germline.
Comment: The p.D2068A variant (also known as c.6203A>C), located in coding exon 47 of the CACNA1C gene, results from an A to C substitution at nucleotide position 6203. The aspartic acid at codon 2068 is replaced by alanine, an amino acid with dissimilar properties. This amino acid position is well conserved in available vertebrate species. In addition, this alteration is predicted to be tolerated by in silico analysis. Based on the available evidence, the clinical significance of this variant remains unclear.